The following is an entry in ClinVar:

NM_024301.5(FKRP):c.635C>T (p.Ala212Val)

Gene: FKRP (fukutin related protein; plus strand). Cytogenetic location: 19q13.32.
Variant type: single nucleotide variant.
Coding change: c.635C>T on transcript NM_024301.5 (MANE Select); coding-DNA position 635, C replaced by T.
Protein change: p.Ala212Val; replaces alanine 212 with valine.
Molecular consequence: missense variant.
Genome position (GRCh38, 1-based): chr19:46,756,085, C>T. VCF-style: chr19-46756085-C-T. GRCh37 (hg19) VCF-style: chr19-47259342-C-T.
Other names: c.635C>T, p.Ala212Val (NM_001039885.3); c.635C>T (NM_024301.4); short protein forms A212V.
Identifiers: ClinVar variation 1039938 (VCV001039938.8), dbSNP rs758125491, ClinGen allele CA9532182.

ClinVar aggregate classification (germline): Uncertain significance. Review status: criteria provided, multiple submitters, no conflicts (2 of 4 stars). 3 submissions from 3 submitters: Uncertain significance (3). Last evaluated 2025-09-15.

Conditions:
Walker-Warburg congenital muscular dystrophy. Also called: Muscular dystrophy-dystroglycanopathy, type A; Walker-Warburg syndrome. Identifiers: Orphanet 899, MedGen C0265221, MONDO:0000171.
Myopathy caused by variation in FKRP. Identifiers: MedGen CN305637, MONDO:0700066.
Cardiovascular phenotype. Identifiers: MedGen CN230736.

Allele frequency attached by ClinVar (database versions not stated): TOPMed below 0.00001; gnomAD exomes 0.00001; ExAC 0.00002.
gnomAD v4.1: 4 of 1,547,600 alleles (0.00026%); highest among the groups gnomAD compares: Admixed American, 0.0037%; no homozygotes.

Submissions (3):

Myriad Genetics, Inc.
Classification: Uncertain significance for Myopathy caused by variation in FKRP. Last evaluated: 2025-09-15. Review status: criteria provided, single submitter. Criteria: Myriad Autosomal Dominant, Autosomal Recessive and X-Linked Classification Criteria (2023). Collection method: clinical testing. Allele origin: unknown.
Comment: NM_024301.4(FKRP):c.635C>T(A212V) is a missense variant classified as a variant of uncertain significance in the context of FKRP-related disorders. A212V has not been observed in cases with relevant disease. Relevant functional assessments of this variant are not available in the literature. A212V has been observed in referenced population frequency databases. In summary, there is insufficient evidence to classify NM_024301.4(FKRP):c.635C>T(A212V) as pathogenic or benign. Please note: this variant was assessed in the context of healthy population screening.

Ambry Genetics
Classification: Uncertain significance for Cardiovascular phenotype. Last evaluated: 2025-07-30. Review status: criteria provided, single submitter. Criteria: Ambry Variant Classification Scheme 2023. Collection method: clinical testing. Allele origin: germline.
Comment: The p.A212V variant (also known as c.635C>T), located in coding exon 1 of the FKRP gene, results from a C to T substitution at nucleotide position 635. The alanine at codon 212 is replaced by valine, an amino acid with similar properties. This amino acid position is conserved. In addition, this alteration is predicted to be tolerated by in silico analysis. Based on the available evidence, the clinical significance of this variant remains unclear.

Labcorp Genetics (formerly Invitae), Labcorp
Classification: Uncertain significance for Walker-Warburg congenital muscular dystrophy. Last evaluated: 2021-09-01. Review status: criteria provided, single submitter. Criteria: Invitae Variant Classification Sherloc (09022015). Collection method: clinical testing. Allele origin: germline.
Comment: This sequence change replaces alanine with valine at codon 212 of the FKRP protein (p.Ala212Val). The alanine residue is weakly conserved and there is a small physicochemical difference between alanine and valine. This variant is present in population databases (rs758125491, ExAC 0.03%). This variant has not been reported in the literature in individuals affected with FKRP-related conditions. Algorithms developed to predict the effect of missense changes on protein structure and function output the following: SIFT: "Tolerated"; PolyPhen-2: "Benign"; Align-GVGD: "Class C0". The valine amino acid residue is found in multiple mammalian species, which suggests that this missense change does not adversely affect protein function. Algorithms developed to predict the effect of sequence changes on RNA splicing suggest that this variant may create or strengthen a splice site. In summary, the available evidence is currently insufficient to determine the role of this variant in disease. Therefore, it has been classified as a Variant of Uncertain Significance.